The following is an entry in ClinVar:

ClinVar aggregate classification (germline): Uncertain significance (1 of 4 stars; one submission).

Submission:

Labcorp Genetics (formerly Invitae), Labcorp
Classification: Uncertain significance. Last evaluated: 2024-01-17. Review status: criteria provided, single submitter. Criteria: Invitae Variant Classification Sherloc (09022015). Collection method: clinical testing. Allele origin: germline.
Comment: This sequence change replaces aspartic acid, which is acidic and polar, with glycine, which is neutral and non-polar, at codon 136 of the PDSS2 protein (p.Asp136Gly). This variant is not present in population databases (gnomAD no frequency). This variant has not been reported in the literature in individuals affected with PDSS2-related conditions. ClinVar contains an entry for this variant (Variation ID: 1966763). An algorithm developed to predict the effect of missense changes on protein structure and function (PolyPhen-2) suggests that this variant is likely to be tolerated. In summary, the available evidence is currently insufficient to determine the role of this variant in disease. Therefore, it has been classified as a Variant of Uncertain Significance.

NM_020381.4(PDSS2):c.407A>G (p.Asp136Gly)

Gene: PDSS2 (decaprenyl diphosphate synthase subunit 2; minus strand). Cytogenetic location: 6q21.
Variant type: single nucleotide variant.
Coding change: c.407A>G on transcript NM_020381.4 (MANE Select); coding-DNA position 407, A replaced by G.
Protein change: p.Asp136Gly; replaces aspartic acid 136 with glycine.
Molecular consequence: missense variant.
Genome position (GRCh38, 1-based): chr6:107,334,222, T>C on the plus strand (A>G on the coding strand, the complement: PDSS2 is on the minus strand). VCF-style: chr6-107334222-T-C. GRCh37 (hg19) VCF-style: chr6-107655426-T-C.
Other names: short protein forms D136G.
Identifiers: ClinVar variation 1966763 (VCV001966763.5), dbSNP rs2484465757, ClinGen allele CA365323355.